The following is an entry in ClinVar:

NM_032119.4(ADGRV1):c.4106G>T (p.Gly1369Val)

Gene: ADGRV1 (adhesion G protein-coupled receptor V1; plus strand). Cytogenetic location: 5q14.3.
Variant type: single nucleotide variant.
Coding change: c.4106G>T on transcript NM_032119.4 (MANE Select); coding-DNA position 4106, G replaced by T.
Protein change: p.Gly1369Val; replaces glycine 1369 with valine.
Molecular consequence: missense variant. On other transcripts: non-coding transcript variant (1).
Genome position (GRCh38, 1-based): chr5:90,653,680, G>T. VCF-style: chr5-90653680-G-T. GRCh37 (hg19) VCF-style: chr5-89949497-G-T.
Other names: short protein forms G1369V.
Identifiers: ClinVar variation 3640225 (VCV003640225.2).

ClinVar aggregate classification (germline): Uncertain significance (1 of 4 stars; one submission).

gnomAD v4.1: 1 of 1,613,358 alleles (0.000062%); highest among the groups gnomAD compares: Non-Finnish European, 0.000085%; no homozygotes.

Submission:

Labcorp Genetics (formerly Invitae), Labcorp
Classification: Uncertain significance. Last evaluated: 2024-03-26. Review status: criteria provided, single submitter. Criteria: Invitae Variant Classification Sherloc (09022015). Collection method: clinical testing. Allele origin: germline.
Comment: This sequence change replaces glycine, which is neutral and non-polar, with valine, which is neutral and non-polar, at codon 1369 of the ADGRV1 protein (p.Gly1369Val). This variant is present in population databases (no rsID available, gnomAD 0.007%). This variant has not been reported in the literature in individuals affected with ADGRV1-related conditions. Advanced modeling of protein sequence and biophysical properties (such as structural, functional, and spatial information, amino acid conservation, physicochemical variation, residue mobility, and thermodynamic stability) has been performed at Invitae for this missense variant, however the output from this modeling did not meet the statistical confidence thresholds required to predict the impact of this variant on ADGRV1 protein function. In summary, the available evidence is currently insufficient to determine the role of this variant in disease. Therefore, it has been classified as a Variant of Uncertain Significance.